The following is an entry in ClinVar:

ClinVar aggregate classification (germline): Likely pathogenic (1 of 4 stars; one submission).

Conditions:
Neuronal ceroid lipofuscinosis 1 (CLN1). Also called: CEROID LIPOFUSCINOSIS, NEURONAL, 1, VARIABLE AGE AT ONSET; PPT1-Related Neuronal Ceroid-Lipofuscinosis. Identifiers: Orphanet 228329, MedGen C1850451, MONDO:0009744, OMIM 256730.

Submission:

Myriad Genetics, Inc.
Classification: Likely pathogenic for Neuronal ceroid lipofuscinosis 1. Last evaluated: 2022-02-25. Review status: criteria provided, single submitter. Criteria: Myriad Women's Health Autosomal Recessive and X-Linked Classification Criteria (2021). Collection method: clinical testing. Allele origin: unknown.
Comment: NM_000310.3(PPT1):c.653delA(N218Tfs*2) is expected to be pathogenic in the context of PPT1-related neuronal ceroid lipofuscinosis. This variant is predicted to lead to an abnormal or absent protein product due to the creation of a premature termination codon in PPT1, a gene where loss-of-function variants are known to be pathogenic. Please note: this variant was assessed in the context of healthy population screening.

NM_000310.4(PPT1):c.653del (p.Asn218fs)

Gene: PPT1 (palmitoyl-protein thioesterase 1; minus strand). Cytogenetic location: 1p34.2.
Variant type: Deletion.
Coding change: c.653del on transcript NM_000310.4 (MANE Select); coding-DNA position 653, one base deleted (A; older notation c.653delA).
Protein change: p.Asn218fs; shifts the reading frame from asparagine 218.
Molecular consequence: frameshift variant.
Genome position (GRCh38, 1-based): chr1:40,078,633, T deleted on the plus strand (A on the coding strand, the reverse complement: PPT1 is on the minus strand); the first of 5 consecutive T bases (chr1:40,078,633-40,078,637); deleting any one gives the same sequence. VCF-style (leftmost placement, unchanged base first): chr1-40078632-GT-G. GRCh37 (hg19) VCF-style: chr1-40544304-GT-G.
Other names: c.344del, p.Asn115fs (NM_001142604.2); c.653del, p.Asn218fs (NM_001363695.2); short protein forms N115fs, N218fs.
Identifiers: ClinVar variation 1724658 (VCV001724658.2), dbSNP rs1057516889, ClinGen allele CA2580062735.